The following is an entry in ClinVar:

NM_198060.4(NRAP):c.4206del (p.Ala1403fs)

Gene: NRAP (nebulin related anchoring protein; minus strand). Cytogenetic location: 10q25.3.
Variant type: Deletion.
Coding change: c.4206del on transcript NM_198060.4 (MANE Select); coding-DNA position 4206, one base deleted (A; older notation c.4206delA).
Protein change: p.Ala1403fs; shifts the reading frame from alanine 1403.
Molecular consequence: frameshift variant.
Genome position (GRCh38, 1-based): chr10:113,604,630, T deleted on the plus strand (A on the coding strand, the reverse complement: NRAP is on the minus strand); the first of 3 consecutive T bases (chr10:113,604,630-113,604,632); deleting any one gives the same sequence. VCF-style (leftmost placement, unchanged base first): chr10-113604629-CT-C. GRCh37 (hg19) VCF-style: chr10-115364388-CT-C.
Other names: c.4206del, p.Ala1403fs (NM_001261463.2); c.4098del, p.Ala1367fs (NM_001322945.2); c.4101del, p.Ala1368fs (NM_006175.5); short protein forms A1367fs, A1368fs, A1403fs.
Identifiers: ClinVar variation 4820486 (VCV004820486.1).

ClinVar aggregate classification (germline): Likely pathogenic (1 of 4 stars; one submission).

Conditions:
Cardiovascular phenotype. Identifiers: MedGen CN230736.

Submission:

Molecular Diagnostic Laboratory for Inherited Cardiovascular Disease, Montreal Heart Institute
Classification: Likely pathogenic for Cardiovascular phenotype. Last evaluated: 2026-01-16. Review status: criteria provided, single submitter. Criteria: ACMG Guidelines, 2015. Collection method: clinical testing. Allele origin: germline. Affected: yes.
Comment: PVS1, PM2